The following is an entry in ClinVar:

NM_001376.5(DYNC1H1):c.223C>T (p.His75Tyr)

Gene: DYNC1H1 (dynein cytoplasmic 1 heavy chain 1; plus strand). Cytogenetic location: 14q32.31.
Variant type: single nucleotide variant.
Coding change: c.223C>T on transcript NM_001376.5 (MANE Select); coding-DNA position 223, C replaced by T.
Protein change: p.His75Tyr; replaces histidine 75 with tyrosine.
Molecular consequence: missense variant.
Genome position (GRCh38, 1-based): chr14:101,964,914, C>T. VCF-style: chr14-101964914-C-T. GRCh37 (hg19) VCF-style: chr14-102431251-C-T.
Other names: short protein forms H75Y.
Identifiers: ClinVar variation 2228940 (VCV002228940.7), dbSNP rs1162552295, ClinGen allele CA391003776.

ClinVar aggregate classification (germline): Conflicting classifications of pathogenicity. Review status: criteria provided, conflicting classifications (1 of 4 stars). 3 submissions from 3 submitters: Uncertain significance (2); Likely benign (1). Last evaluated 2024-12-10.

Conditions:
Charcot-Marie-Tooth disease axonal type 2O. Also called: CHARCOT-MARIE-TOOTH NEUROPATHY, AXONAL, TYPE 2O; CHARCOT-MARIE-TOOTH DISEASE, AXONAL, AUTOSOMAL DOMINANT, TYPE 2O; Charcot-Marie-Tooth Neuropathy Type 2O; Charcot-Marie-Tooth disease, axonal, type 20. Identifiers: Orphanet 284232, MedGen C3280220, MONDO:0013644, OMIM 614228.
Inborn genetic diseases. Identifiers: MedGen C0950123, MeSH D030342.

Allele frequency attached by ClinVar (database versions not stated): gnomAD exomes below 0.00001; gnomAD 0.00001; TOPMed 0.00001.
gnomAD v4.1: 3 of 1,600,452 alleles (0.00019%); highest among the groups gnomAD compares: Admixed American, 0.0052%; no homozygotes.

Submissions (3):

Women's Health and Genetics/Laboratory Corporation of America, LabCorp
Classification: Uncertain significance. Last evaluated: 2024-12-10. Review status: criteria provided, single submitter. Criteria: LabCorp Variant Classification Summary - May 2015. Collection method: clinical testing. Allele origin: germline.
Comment: Variant summary: DYNC1H1 c.223C>T (p.His75Tyr) results in a conservative amino acid change in the encoded protein sequence. Three of five in-silico tools predict a benign effect of the variant on protein function. The variant allele was found at a frequency of 9e-06 in 223280 control chromosomes. The available data on variant occurrences in the general population are insufficient to allow any conclusion about variant significance. To our knowledge, no occurrence of c.223C>T in individuals affected with DYNC1H1-Related Disorders and no experimental evidence demonstrating its impact on protein function have been reported. ClinVar contains an entry for this variant (Variation ID: 2228940). Based on the evidence outlined above, the variant was classified as uncertain significance.

Labcorp Genetics (formerly Invitae), Labcorp
Classification: Likely benign for Charcot-Marie-Tooth disease axonal type 2O. Last evaluated: 2023-09-11. Review status: criteria provided, single submitter. Criteria: Invitae Variant Classification Sherloc (09022015). Collection method: clinical testing. Allele origin: germline.

Ambry Genetics
Classification: Uncertain significance for Inborn genetic diseases. Last evaluated: 2021-01-29. Review status: criteria provided, single submitter. Criteria: Ambry Variant Classification Scheme 2023. Collection method: clinical testing. Allele origin: germline.
Comment: The c.223C>T (p.H75Y) alteration is located in exon 1 (coding exon 1) of the DYNC1H1 gene. This alteration results from a C to T substitution at nucleotide position 223, causing the histidine (H) at amino acid position 75 to be replaced by a tyrosine (Y). The p.H75Y alteration is predicted to be tolerated by in silico analysis. Based on insufficient or conflicting evidence, the clinical significance of this alteration remains unclear.